The following is an entry in ClinVar:

NM_001374623.1(PNPLA1):c.439-2A>G

Gene: PNPLA1 (patatin like domain 1, omega-hydroxyceramide transacylase; plus strand). Cytogenetic location: 6p21.31.
Variant type: single nucleotide variant.
Coding change: c.439-2A>G on transcript NM_001374623.1 (MANE Select); the canonical splice acceptor site of the intron before coding-DNA position 439, A replaced by G.
Molecular consequence: splice acceptor variant.
Genome position (GRCh38, 1-based): chr6:36,293,059, A>G. VCF-style: chr6-36293059-A-G. GRCh37 (hg19) VCF-style: chr6-36260836-A-G.
Other names: c.154-2A>G (NM_001145716.2, NM_173676.2); c.439-2A>G (NM_001145717.1).
Identifiers: ClinVar variation 2782330 (VCV002782330.3), dbSNP rs2533200460, ClinGen allele CA363812275.

ClinVar aggregate classification (germline): Pathogenic (1 of 4 stars; one submission).

Submission:

Labcorp Genetics (formerly Invitae), Labcorp
Classification: Pathogenic. Last evaluated: 2023-01-14. Review status: criteria provided, single submitter. Criteria: Invitae Variant Classification Sherloc (09022015). Collection method: clinical testing. Allele origin: germline.
Comment: For these reasons, this variant has been classified as Pathogenic. Algorithms developed to predict the effect of sequence changes on RNA splicing suggest that this variant may disrupt the consensus splice site. Disruption of this splice site has been observed in individual(s) with autosomal recessive congenital ichthyosis (Invitae). This variant is not present in population databases (gnomAD no frequency). This sequence change affects an acceptor splice site in intron 2 of the PNPLA1 gene. It is expected to disrupt RNA splicing. Variants that disrupt the donor or acceptor splice site typically lead to a loss of protein function (PMID: 16199547), and loss-of-function variants in PNPLA1 are known to be pathogenic (PMID: 22246504, 28093717).

Literature cited by the submitters: PubMed 16199547; PubMed 22246504; PubMed 28093717.